The following is an entry in ClinVar:

ClinVar aggregate classification (germline): Uncertain significance (1 of 4 stars; one submission).

gnomAD v4.1: 6 of 1,522,760 alleles (0.00039%); highest among the groups gnomAD compares: Non-Finnish European, 0.00053%; no homozygotes.

Submission:

Labcorp Genetics (formerly Invitae), Labcorp
Classification: Uncertain significance. Last evaluated: 2022-06-13. Review status: criteria provided, single submitter. Criteria: Invitae Variant Classification Sherloc (09022015). Collection method: clinical testing. Allele origin: germline.
Comment: In summary, the available evidence is currently insufficient to determine the role of this variant in disease. Therefore, it has been classified as a Variant of Uncertain Significance. Algorithms developed to predict the effect of sequence changes on RNA splicing suggest that this variant may create or strengthen a splice site. This variant has not been reported in the literature in individuals affected with KPNA7-related conditions. The frequency data for this variant in the population databases is considered unreliable, as metrics indicate poor data quality at this position in the gnomAD database. This sequence change falls in intron 7 of the KPNA7 gene. It does not directly change the encoded amino acid sequence of the KPNA7 protein.

NM_001145715.3(KPNA7):c.1135-6C>G

Gene: KPNA7 (karyopherin subunit alpha 7; minus strand). Cytogenetic location: 7q22.1.
Variant type: single nucleotide variant.
Coding change: c.1135-6C>G on transcript NM_001145715.3 (MANE Select); 6 bases into the intron before coding-DNA position 1135, C replaced by G.
Molecular consequence: intron variant.
Genome position (GRCh38, 1-based): chr7:99,182,071, G>C on the plus strand (C>G on the coding strand, the complement: KPNA7 is on the minus strand). VCF-style: chr7-99182071-G-C. GRCh37 (hg19) VCF-style: chr7-98779694-G-C.
Identifiers: ClinVar variation 2005903 (VCV002005903.4), dbSNP rs201383698, ClinGen allele CA576719883.